The following is an entry in ClinVar:

NM_006306.4(SMC1A):c.3205C>T (p.Arg1069Cys)

Gene: SMC1A (structural maintenance of chromosomes 1A; minus strand). Cytogenetic location: Xp11.22.
Variant type: single nucleotide variant.
Coding change: c.3205C>T on transcript NM_006306.4 (MANE Select); coding-DNA position 3205, C replaced by T.
Protein change: p.Arg1069Cys; replaces arginine 1069 with cysteine.
Molecular consequence: missense variant.
Genome position (GRCh38, 1-based): chrX:53,382,586, G>A on the plus strand (C>T on the coding strand, the complement: SMC1A is on the minus strand). VCF-style: chrX-53382586-G-A. GRCh37 (hg19) VCF-style: chrX-53409507-G-A.
Other names: c.3139C>T, p.Arg1047Cys (NM_001281463.1); c.3205C>T (NM_006306.2); short protein forms R1047C, R1069C.
Identifiers: ClinVar variation 978233 (VCV000978233.5), dbSNP rs2075588188, ClinGen allele CA413244282.

ClinVar aggregate classification (germline): Conflicting classifications of pathogenicity. Review status: criteria provided, conflicting classifications (1 of 4 stars). 3 submissions from 3 submitters: Uncertain significance (2); Likely benign (1). Last evaluated 2024-10-20.

Conditions:
Inborn genetic diseases. Identifiers: MedGen C0950123, MeSH D030342.
Congenital muscular hypertrophy-cerebral syndrome (CDLS2). Also called: Cornelia de Lange syndrome 2; SMC1A-Related Cornelia de Lange Syndrome. Identifiers: Orphanet 199, MedGen C1802395, MONDO:0010370, OMIM 300590.
Developmental and epileptic encephalopathy, 85, with or without midline brain defects. Also called: EPILEPTIC ENCEPHALOPATHY, EARLY INFANTILE, 85, WITH OR WITHOUT MIDLINE BRAIN DEFECTS. Identifiers: MedGen C5393312, MONDO:0026771, OMIM 301044.

gnomAD v4.1: 1 of 1,211,246 alleles (0.000083%); highest among the groups gnomAD compares: Non-Finnish European, 0.00011%; no homozygotes.

Submissions (3):

Ambry Genetics
Classification: Uncertain significance for Inborn genetic diseases. Last evaluated: 2024-10-20. Review status: criteria provided, single submitter. Criteria: Ambry Variant Classification Scheme 2023. Collection method: clinical testing. Allele origin: germline.

Fulgent Genetics
Classification: Uncertain significance for Congenital muscular hypertrophy-cerebral syndrome; Developmental and epileptic encephalopathy, 85, with or without midline brain defects. Last evaluated: 2024-04-30. Review status: criteria provided, single submitter. Criteria: ACMG Guidelines, 2015. Collection method: clinical testing. Allele origin: germline.

Institute of Human Genetics, University of Goettingen
Classification: Likely benign for Congenital muscular hypertrophy-cerebral syndrome. Last evaluated: 2020-07-09. Review status: criteria provided, single submitter. Criteria: ACMG Guidelines, 2015. Collection method: clinical testing. Allele origin: maternal. Inheritance: X-linked inheritance. Affected: no. Observed: 1 hemizygote.
Comment: Because SMC1A-associated Cornelia de Lange syndrome is expected to show full penetrance at an early age, we consider this variant to be likely benign.